The following is an entry in ClinVar:

NM_005228.5(EGFR):c.2020G>A (p.Val674Ile)

Gene: EGFR (epidermal growth factor receptor; plus strand). Cytogenetic location: 7p11.2.
Variant type: single nucleotide variant.
Coding change: c.2020G>A on transcript NM_005228.5 (MANE Select); coding-DNA position 2020, G replaced by A.
Protein change: p.Val674Ile; replaces valine 674 with isoleucine.
Molecular consequence: missense variant.
Genome position (GRCh38, 1-based): chr7:55,173,083, G>A. VCF-style: chr7-55173083-G-A. GRCh37 (hg19) VCF-style: chr7-55240776-G-A.
Other names: c.1885G>A, p.Val629Ile (NM_001346897.2, NM_001346899.2); c.2020G>A, p.Val674Ile (NM_001346898.2); c.1861G>A, p.Val621Ile (NM_001346900.2); c.1219G>A, p.Val407Ile (NM_001346941.2); short protein forms V674I, V407I, V621I, V629I.
Identifiers: ClinVar variation 941405 (VCV000941405.10), dbSNP rs17337079, ClinGen allele CA4265941.

ClinVar aggregate classification (germline): Conflicting classifications of pathogenicity. Review status: criteria provided, conflicting classifications (1 of 4 stars). 3 submissions from 3 submitters: Uncertain significance (2); Likely benign (1). Last evaluated 2025-12-09.

Conditions:
EGFR-related lung cancer (EGFR). Identifiers: MedGen CN130014.
Hereditary cancer-predisposing syndrome. Also called: Hereditary neoplastic syndrome; Neoplastic Syndromes, Hereditary; Hereditary Cancer Syndrome; Tumor predisposition. Identifiers: Orphanet 140162, MedGen C0027672, MeSH D009386, MONDO:0015356.

Allele frequency attached by ClinVar (database versions not stated): TOPMed 0.00004.
gnomAD v4.1: 44 of 1,612,792 alleles (0.0027%); highest among the groups gnomAD compares: African/African-American, 0.008%; no homozygotes.

Submissions (3):

Labcorp Genetics (formerly Invitae), Labcorp
Classification: Uncertain significance for EGFR-related lung cancer. Last evaluated: 2025-12-09. Review status: criteria provided, single submitter. Criteria: Invitae Variant Classification Sherloc (09022015). Collection method: clinical testing. Allele origin: germline.
Comment: This sequence change replaces valine, which is neutral and non-polar, with isoleucine, which is neutral and non-polar, at codon 674 of the EGFR protein (p.Val674Ile). This variant is present in population databases (rs17337079, gnomAD 0.008%). This variant has not been reported in the literature in individuals affected with EGFR-related conditions. ClinVar contains an entry for this variant (Variation ID: 941405). Invitae Evidence Modeling of protein sequence and biophysical properties (such as structural, functional, and spatial information, amino acid conservation, physicochemical variation, residue mobility, and thermodynamic stability) indicates that this missense variant is not expected to disrupt EGFR protein function with a negative predictive value of 80%. In summary, the available evidence is currently insufficient to determine the role of this variant in disease. Therefore, it has been classified as a Variant of Uncertain Significance.

Dasa
Classification: Uncertain significance. Last evaluated: 2025-11-27. Review status: criteria provided, single submitter. Criteria: DASA Assertion Criteria. Collection method: clinical testing. Allele origin: germline.
Comment: NM_005228.5(EGFR):c.2020G>A (p.Val674Ile) is a missense variant that results in the substitution of valine with isoleucine. This variant is rare in population databases. The currently available literature and clinical evidence are not sufficient to establish a definitive association between this variant and the reported condition. Therefore, this variant is classified as a variant of uncertain significance.

Ambry Genetics
Classification: Likely benign for Hereditary cancer-predisposing syndrome. Last evaluated: 2024-12-23. Review status: criteria provided, single submitter. Criteria: Ambry Variant Classification Scheme 2023. Collection method: clinical testing. Allele origin: germline.